The following is an entry in ClinVar:

ClinVar aggregate classification (germline): Likely pathogenic (1 of 4 stars; one submission).

Conditions:
Corticosterone 18-monooxygenase deficiency. Also called: ALDOSTERONE DEFICIENCY DUE TO DEFECT IN STEROID 18-HYDROXYLASE; ALDOSTERONE DEFICIENCY I; CMO I DEFICIENCY; STEROID 18-HYDROXYLASE DEFICIENCY; 18 Hydroxylase deficiency; Aldosterone deficiency due to defect in 18 hydroxylase. Identifiers: Orphanet 427, MedGen C0268293, MONDO:0008751, OMIM 203400. Disease mechanism: loss of function.
Corticosterone methyloxidase type 2 deficiency. Also called: 18-OXIDASE DEFICIENCY; ALDOSTERONE DEFICIENCY DUE TO DEFICIENCY OF STEROID 18-OXIDASE; ALDOSTERONE DEFICIENCY II; CMO II DEFICIENCY; STEROID 18-OXIDASE DEFICIENCY. Identifiers: Orphanet 427, MedGen C3463917, MONDO:0012524, OMIM 610600. Disease mechanism: loss of function.

Submission:

First Genomix Gene Laboratory, Genetic Diagnostics Department
Classification: Likely pathogenic for Corticosterone 18-monooxygenase deficiency; Corticosterone methyloxidase type 2 deficiency. Last evaluated: 2025-07-10. Review status: criteria provided, single submitter. Criteria: ACMG Guidelines, 2015. Collection method: clinical testing. Allele origin: germline. Inheritance: Autosomal recessive inheritance. Affected: no. Observed: 1 variant allele.

NM_000498.3(CYP11B2):c.55C>T (p.Gln19Ter)

Genes: CYP11B2 (cytochrome P450 family 11 subfamily B member 2; minus strand), LOC106799834 (CYP11B2 recombination region; plus strand). Cytogenetic location: 8q24.3.
Variant type: single nucleotide variant.
Coding change: c.55C>T on transcript NM_000498.3 (MANE Select); coding-DNA position 55, C replaced by T.
Protein change: p.Gln19Ter; replaces glutamine 19 with a stop codon.
Molecular consequence: nonsense.
Genome position (GRCh38, 1-based): chr8:142,917,786, G>A on the plus strand (C>T on the coding strand, the complement: CYP11B2 is on the minus strand). VCF-style: chr8-142917786-G-A. GRCh37 (hg19) VCF-style: chr8-143999202-G-A.
Other names: short protein forms Q19*.
Identifiers: ClinVar variation 4849347 (VCV004849347.1).